The following is an entry in ClinVar:

ClinVar aggregate classification (germline): Uncertain significance (1 of 4 stars; one submission).

Submission:

Labcorp Genetics (formerly Invitae), Labcorp
Classification: Uncertain significance. Last evaluated: 2025-06-02. Review status: criteria provided, single submitter. Criteria: Invitae Variant Classification Sherloc (09022015). Collection method: clinical testing. Allele origin: germline.
Comment: This sequence change replaces asparagine, which is neutral and polar, with serine, which is neutral and polar, at codon 379 of the ADAMTS18 protein (p.Asn379Ser). This variant is not present in population databases (gnomAD no frequency). This variant has not been reported in the literature in individuals affected with ADAMTS18-related conditions. ClinVar contains an entry for this variant (Variation ID: 2831963). An algorithm developed to predict the effect of missense changes on protein structure and function (PolyPhen-2) suggests that this variant is likely to be disruptive. In summary, the available evidence is currently insufficient to determine the role of this variant in disease. Therefore, it has been classified as a Variant of Uncertain Significance.

NM_199355.4(ADAMTS18):c.1136A>G (p.Asn379Ser)

Gene: ADAMTS18 (ADAM metallopeptidase with thrombospondin type 1 motif 18; minus strand). Cytogenetic location: 16q23.1.
Variant type: single nucleotide variant.
Coding change: c.1136A>G on transcript NM_199355.4 (MANE Select); coding-DNA position 1136, A replaced by G.
Protein change: p.Asn379Ser; replaces asparagine 379 with serine.
Molecular consequence: missense variant.
Genome position (GRCh38, 1-based): chr16:77,362,185, T>C on the plus strand (A>G on the coding strand, the complement: ADAMTS18 is on the minus strand). VCF-style: chr16-77362185-T-C. GRCh37 (hg19) VCF-style: chr16-77396082-T-C.
Other names: c.620A>G, p.Asn207Ser (NM_001326358.2); short protein forms N379S, N207S.
Identifiers: ClinVar variation 2831963 (VCV002831963.3), dbSNP rs2543741974, ClinGen allele CA396835884.